The following is an entry in ClinVar:

NM_000814.6(GABRB3):c.296A>G (p.Tyr99Cys)

Gene: GABRB3 (gamma-aminobutyric acid type A receptor subunit beta3; minus strand). Cytogenetic location: 15q12.
Variant type: single nucleotide variant.
Coding change: c.296A>G on transcript NM_000814.6 (MANE Select); coding-DNA position 296, A replaced by G.
Protein change: p.Tyr99Cys; replaces tyrosine 99 with cysteine.
Molecular consequence: missense variant. On other transcripts: non-coding transcript variant (1).
Genome position (GRCh38, 1-based): chr15:26,621,479, T>C on the plus strand (A>G on the coding strand, the complement: GABRB3 is on the minus strand). VCF-style: chr15-26621479-T-C. GRCh37 (hg19) VCF-style: chr15-26866626-T-C.
Other names: c.41A>G, p.Tyr14Cys (NM_001191320.2, NM_001278631.2); c.83A>G, p.Tyr28Cys (NM_001191321.3); c.296A>G, p.Tyr99Cys (NM_021912.5); short protein forms Y99C, Y14C, Y28C.
Identifiers: ClinVar variation 575460 (VCV000575460.8), dbSNP rs1566778864, ClinGen allele CA391461320.
Genomic context (GRCh38, chr15:26,621,479, plus strand): 5'-GGCACCCATAGCTGGTCAGCCACTCGATTGTCAAGCGTGAGGTTGAGAGGGATCCCAGAA[T>C]AGGCGAGCCTTTTATCTCTCCAATATTGTTGAAAATACATGGTTAAGGTATAATCCTGGG-3'
Protein context (NP_000805.1, residues 89-109): QQYWRDKRLA[Tyr99Cys]SGIPLNLTLD

ClinVar aggregate classification (germline): Uncertain significance (1 of 4 stars; one submission).

Conditions:
Epilepsy, childhood absence, susceptibility to, 5. Identifiers: Orphanet 64280, MedGen C2677087, MONDO:0012843, OMIM 612269.
Epilepsy, childhood absence, susceptibility to, 1. Also called: Epilepsy, childhood absence 1. Identifiers: Orphanet 64280, MedGen C1838604, MONDO:0020759, OMIM 600131.

Submission:

Labcorp Genetics (formerly Invitae), Labcorp
Classification: Uncertain significance for Epilepsy, childhood absence, susceptibility to, 5; Epilepsy, childhood absence, susceptibility to, 1. Last evaluated: 2018-05-03. Review status: criteria provided, single submitter. Criteria: Invitae Variant Classification Sherloc (09022015). Collection method: clinical testing. Allele origin: germline.
Comment: In summary, the available evidence is currently insufficient to determine the role of this variant in disease. Therefore, it has been classified as a Variant of Uncertain Significance. Algorithms developed to predict the effect of missense changes on protein structure and function do not agree on the potential impact of this missense change (SIFT: "Deleterious"; PolyPhen-2: "Probably Damaging"; Align-GVGD: "Class C0"). This variant has not been reported in the literature in individuals with GABRB3-related disease. This variant is not present in population databases (ExAC no frequency). This sequence change replaces tyrosine with cysteine at codon 99 of the GABRB3 protein (p.Tyr99Cys). The tyrosine residue is moderately conserved and there is a large physicochemical difference between tyrosine and cysteine.